The following is an entry in ClinVar:

NM_001844.5(COL2A1):c.3085G>T (p.Gly1029Cys)

Gene: COL2A1 (collagen type II alpha 1 chain; minus strand). Cytogenetic location: 12q13.11.
Variant type: single nucleotide variant.
Coding change: c.3085G>T on transcript NM_001844.5 (MANE Select); coding-DNA position 3085, G replaced by T.
Protein change: p.Gly1029Cys; replaces glycine 1029 with cysteine.
Molecular consequence: missense variant.
Genome position (GRCh38, 1-based): chr12:47,978,036, C>A on the plus strand (G>T on the coding strand, the complement: COL2A1 is on the minus strand). VCF-style: chr12-47978036-C-A. GRCh37 (hg19) VCF-style: chr12-48371819-C-A.
Other names: c.2878G>T, p.Gly960Cys (NM_033150.3); short protein forms G1029C, G960C.
Identifiers: ClinVar variation 2859637 (VCV002859637.5), dbSNP rs2540110405, ClinGen allele CA384540660.

ClinVar aggregate classification (germline): Conflicting classifications of pathogenicity. Review status: criteria provided, conflicting classifications (1 of 4 stars). 3 submissions from 3 submitters: Pathogenic (1); Likely pathogenic (1); Uncertain significance (1). Last evaluated 2024-04-04.

Conditions:
Achondrogenesis type II (ACG2). Also called: ACHONDROGENESIS, LANGER-SALDINO TYPE; CHONDROGENESIS IMPERFECTA. Identifiers: Orphanet 932, Orphanet 93296, MedGen C0220685, MONDO:0008702, OMIM 200610.
Namaqualand hip dysplasia (OSCDP). Also called: Mild spondyloepiphyseal dysplasia due to COL2A1 mutation with early-onset osteoarthritis. Identifiers: Orphanet 93279, MedGen C0432214, MONDO:0011496, OMIM 604864.
Avascular necrosis of femoral head, primary, 1 (ANFH1). Also called: Avascular necrosis of femoral head, primary. Identifiers: Orphanet 86820, MedGen C4551562, MONDO:0054550, OMIM 608805.
Stickler syndrome, type I, nonsyndromic ocular. Also called: STICKLER SYNDROME, ATYPICAL; STICKLER SYNDROME, TYPE I, PREDOMINANTLY OCULAR. Identifiers: MedGen C1836080, MONDO:0012287, OMIM 609508.
Multiple epiphyseal dysplasia, Beighton type. Identifiers: Orphanet 166011, MedGen C1851536, MONDO:0007562, OMIM 132450.
Legg-Calve-Perthes disease. Also called: PERTHES DISEASE; Osteochondritis deformans; Coxa plana; Avascular necrosis of the capital femoral epiphysis. Identifiers: Orphanet 2380, MedGen C1442965, MONDO:0007885, OMIM 150600, HP:0005743.
Spondyloepiphyseal dysplasia, Stanescu type. Also called: SED, STANESCU TYPE; SPONDYLOEPIMETAPHYSEAL DYSPLASIA, STANESCU TYPE. Identifiers: Orphanet 459051, MedGen C4225273, MONDO:0014701, OMIM 616583.
Kniest dysplasia. Identifiers: Orphanet 485, MedGen C0265279, MONDO:0007987, OMIM 156550.
Spondyloepimetaphyseal dysplasia, Strudwick type (SEMDSTWK). Also called: DAPPLED METAPHYSIS SYNDROME; STRUDWICK SYNDROME. Identifiers: Orphanet 93346, MedGen C0700635, MONDO:0008476, OMIM 184250.
Vitreoretinopathy with phalangeal epiphyseal dysplasia (VPED). Identifiers: MedGen C1852989, MONDO:0031001, OMIM 619248.
Spondyloperipheral dysplasia. Also called: SPONDYLOPERIPHERAL DYSPLASIA WITH SHORT ULNA; Spondyloperipheral dysplasia-short ulna syndrome. Identifiers: Orphanet 1856, MedGen C0796173, MONDO:0010078, OMIM 271700.
Stickler syndrome type 1 (STL1). Also called: ARTHROOPHTHALMOPATHY, HEREDITARY PROGRESSIVE; COL2A1-Related Stickler Syndrome; STICKLER SYNDROME, MEMBRANOUS VITREOUS TYPE; STICKLER SYNDROME, VITREOUS TYPE 1. Identifiers: Orphanet 828, Orphanet 90653, MedGen C2020284, MONDO:0007160, OMIM 108300.
Platyspondylic dysplasia, Torrance type (PLSDT). Identifiers: Orphanet 85166, MedGen C1835437, MONDO:0007895, OMIM 151210.
Spondyloepiphyseal dysplasia congenita (SEDC). Also called: SED CONGENITA; SPONDYLOEPIPHYSEAL DYSPLASIA, CONGENITAL TYPE. Identifiers: Orphanet 94068, MedGen C2745959, MONDO:0008471, OMIM 183900.
Spondyloepiphyseal dysplasia with metatarsal shortening. Also called: CZECH DYSPLASIA, METATARSAL TYPE; SPONDYLOEPIPHYSEAL DYSPLASIA WITH PRECOCIOUS OSTEOARTHRITIS; Pseudorheumatoid dysplasia progressive, with hypoplastic toes. Identifiers: Orphanet 137678, MedGen C1836683, MONDO:0012206, OMIM 609162.

Submissions (3):

Fulgent Genetics
Classification: Likely pathogenic for Stickler syndrome type 1; Multiple epiphyseal dysplasia, Beighton type; Legg-Calve-Perthes disease; Platyspondylic dysplasia, Torrance type; Kniest dysplasia; Spondyloepiphyseal dysplasia congenita; Spondyloepimetaphyseal dysplasia, Strudwick type; Achondrogenesis type II; Spondyloperipheral dysplasia; Namaqualand hip dysplasia; Avascular necrosis of femoral head, primary, 1; Spondyloepiphyseal dysplasia with metatarsal shortening; Stickler syndrome, type I, nonsyndromic ocular; Spondyloepiphyseal dysplasia, Stanescu type; Vitreoretinopathy with phalangeal epiphyseal dysplasia. Last evaluated: 2024-04-04. Review status: criteria provided, single submitter. Criteria: ACMG Guidelines, 2015. Collection method: clinical testing. Allele origin: germline.

Labcorp Genetics (formerly Invitae), Labcorp
Classification: Pathogenic. Last evaluated: 2023-12-19. Review status: criteria provided, single submitter. Criteria: Invitae Variant Classification Sherloc (09022015). Collection method: clinical testing. Allele origin: germline.
Comment: This sequence change replaces glycine, which is neutral and non-polar, with cysteine, which is neutral and slightly polar, at codon 1029 of the COL2A1 protein (p.Gly1029Cys). This variant is not present in population databases (gnomAD no frequency). This missense change has been observed in individual(s) with clinical features of autosomal dominant COL2A1-related conditions (Invitae). Advanced modeling of protein sequence and biophysical properties (such as structural, functional, and spatial information, amino acid conservation, physicochemical variation, residue mobility, and thermodynamic stability) performed at Invitae indicates that this missense variant is expected to disrupt COL2A1 protein function with a positive predictive value of 95%. This variant disrupts the triple helix domain of COL2A1. Glycine residues within the Gly-Xaa-Yaa repeats of the triple helix domain are required for the structure and stability of fibrillar collagens (PMID: 7695699, 8218237, 19344236). In COL2A1, variants affecting these glycine residues are significantly enriched in individuals with disease (PMID: 9016532, 17078022) compared to the general population (ExAC). For these reasons, this variant has been classified as Pathogenic.

Blueprint Genetics
Classification: Uncertain significance. Last evaluated: 2018-03-26. Review status: criteria provided, single submitter. Criteria: ACMG Guidelines, 2015. Collection method: clinical testing. Allele origin: germline.

Literature cited by the submitters: PubMed 7695699 (cited by Labcorp Genetics (formerly Invitae), Labcorp); PubMed 8218237 (cited by Labcorp Genetics (formerly Invitae), Labcorp); PubMed 19344236 (cited by Labcorp Genetics (formerly Invitae), Labcorp); PubMed 9016532 (cited by Labcorp Genetics (formerly Invitae), Labcorp); PubMed 17078022 (cited by Labcorp Genetics (formerly Invitae), Labcorp).